The following is an entry in ClinVar:

ClinVar aggregate classification (germline): Uncertain significance (1 of 4 stars; one submission).

Conditions:
Neuromuscular disease caused by qualitative or quantitative defects of dysferlin. Also called: Qualitative or quantitative defects of dysferlin; Dysferlinopathy. Identifiers: Orphanet 207073, MedGen C2931687, MONDO:0016145.

Allele frequency attached by ClinVar (database versions not stated): ExAC 0.00001; gnomAD exomes 0.00001.
gnomAD v4.1: 4 of 1,614,112 alleles (0.00025%); highest among the groups gnomAD compares: Admixed American, 0.0017%; no homozygotes.

Submission:

Labcorp Genetics (formerly Invitae), Labcorp
Classification: Uncertain significance for Neuromuscular disease caused by qualitative or quantitative defects of dysferlin. Last evaluated: 2022-09-06. Review status: criteria provided, single submitter. Criteria: Invitae Variant Classification Sherloc (09022015). Collection method: clinical testing. Allele origin: germline.
Comment: This sequence change replaces histidine, which is basic and polar, with tyrosine, which is neutral and polar, at codon 1037 of the DYSF protein (p.His1037Tyr). This variant is present in population databases (rs776491058, gnomAD 0.003%). This variant has not been reported in the literature in individuals affected with DYSF-related conditions. ClinVar contains an entry for this variant (Variation ID: 661790). Advanced modeling of protein sequence and biophysical properties (such as structural, functional, and spatial information, amino acid conservation, physicochemical variation, residue mobility, and thermodynamic stability) performed at Invitae indicates that this missense variant is not expected to disrupt DYSF protein function. In summary, the available evidence is currently insufficient to determine the role of this variant in disease. Therefore, it has been classified as a Variant of Uncertain Significance.

NM_001130987.2(DYSF):c.3163C>T (p.His1055Tyr)

Gene: DYSF (dysferlin; plus strand). Cytogenetic location: 2p13.2.
Variant type: single nucleotide variant.
Coding change: c.3163C>T on transcript NM_001130987.2 (MANE Select); coding-DNA position 3163, C replaced by T.
Protein change: p.His1055Tyr; replaces histidine 1055 with tyrosine.
Molecular consequence: missense variant.
Genome position (GRCh38, 1-based): chr2:71,570,676, C>T. VCF-style: chr2-71570676-C-T. GRCh37 (hg19) VCF-style: chr2-71797806-C-T.
Other names: c.3112C>T, p.His1038Tyr (NM_001130455.2, NM_001130983.2); c.3067C>T, p.His1023Tyr (NM_001130976.2, NM_001130977.2); c.3109C>T, p.His1037Tyr (NM_001130978.2, NM_003494.4); c.3202C>T, p.His1068Tyr (NM_001130979.2); c.3160C>T, p.His1054Tyr (NM_001130980.2, NM_001130981.2); c.3205C>T, p.His1069Tyr (NM_001130982.2); c.3070C>T, p.His1024Tyr (NM_001130984.2, NM_001130986.2); c.3163C>T, p.His1055Tyr (NM_001130985.2); short protein forms H1023Y, H1068Y, H1038Y, H1054Y, H1055Y, H1069Y, H1024Y, H1037Y.
Identifiers: ClinVar variation 661790 (VCV000661790.6), dbSNP rs776491058, ClinGen allele CA1706445.